The following is an entry in ClinVar:

ClinVar aggregate classification (germline): Likely benign (0 of 4 stars; one submission).

Conditions:
SPATA7-related disorder. Also called: SPATA7-related condition; SPATA7-related disorders. Identifiers: MedGen CN239422.

Submission:

PreventionGenetics, part of Exact Sciences
Classification: Likely benign for SPATA7-related condition. Last evaluated: 2020-06-12. Review status: no assertion criteria provided. Collection method: clinical testing. Allele origin: germline.
Comment: This variant is classified as likely benign based on ACMG/AMP sequence variant interpretation guidelines (Richards et al. 2015 PMID: 25741868, with internal and published modifications).

NM_018418.5(SPATA7):c.1029-10_1029-4del

Gene: SPATA7 (spermatogenesis associated 7; plus strand). Cytogenetic location: 14q31.3.
Variant type: Deletion.
Coding change: c.1029-10_1029-4del on transcript NM_018418.5 (MANE Select); 10 bases into the intron before coding-DNA position 1029 through 4 bases into the intron before coding-DNA position 1029, 7 bases deleted (CTCTTTC; older notation c.1029-10_1029-4delCTCTTTC).
Molecular consequence: intron variant.
Genome position (GRCh38, 1-based): chr14:88,431,162-88,431,168, CTCTTTC deleted; deleting any 7 consecutive bases within chr14:88,431,159-88,431,168 gives the same sequence; the c. name uses the placement nearest the transcript's 3' end. VCF-style (leftmost placement, unchanged base first): chr14-88431158-CTTCCTCT-C. GRCh37 (hg19) VCF-style: chr14-88897502-CTTCCTCT-C.
Other names: c.933-10_933-4del (NM_001040428.4).
Identifiers: ClinVar variation 3035962 (VCV003035962.2), dbSNP rs1245631097, ClinGen allele CA615692549.